The following is an entry in ClinVar:

ClinVar aggregate classification (germline): Benign. Review status: criteria provided, multiple submitters, no conflicts (2 of 4 stars). 5 submissions from 5 submitters: Benign (5). Last evaluated 2026-02-04.

Allele frequency attached by ClinVar (database versions not stated): gnomAD exomes 0.55687 and 0.57598; ExAC 0.62276; ESP Exome Variant Server 0.63804; gnomAD 0.64084 and 0.64373; TOPMed 0.65052; 1000 Genomes Project 30x 0.71580; 1000 Genomes Project 0.71805.

Submissions (5):

Labcorp Genetics (formerly Invitae), Labcorp
Classification: Benign. Last evaluated: 2026-02-04. Review status: criteria provided, single submitter. Criteria: Invitae Variant Classification Sherloc (09022015). Collection method: clinical testing. Allele origin: germline.

Unidad de Genómica Garrahan, Hospital de Pediatría Garrahan
Classification: Benign. Last evaluated: 2023-11-12. Review status: criteria provided, single submitter. Criteria: ACMG Guidelines, 2015. Collection method: clinical testing. Allele origin: germline. Affected: no. Observed: 71 variant alleles.
Comment: This variant is classified as Benign based on local population frequency. This variant was detected in 74% of patients studied by a panel of primary immunodeficiencies. Number of patients: 71. Only high quality variants are reported.

Mayo Clinic Laboratories, Mayo Clinic
Classification: Benign. Last evaluated: 2022-09-06. Review status: criteria provided, single submitter. Criteria: ACMG Guidelines, 2015. Collection method: clinical testing. Allele origin: germline. Observed: 33 variant alleles.

Laboratory for Molecular Medicine, Mass General Brigham Personalized Medicine
Classification: Benign. Last evaluated: 2016-03-28. Review status: criteria provided, single submitter. Criteria: LMM Criteria. Collection method: clinical testing. Allele origin: germline.
Comment: Variant identified in a genome or exome case(s) and assessed due to predicted null impact of the variant or pathogenic assertions in the literature or databases. Disclaimer: This variant has not undergone full assessment. The following are preliminary notes: Frequency

Breakthrough Genomics
Classification: Benign. Review status: criteria provided, single submitter. Criteria: ACMG Guidelines, 2015. Collection method: not provided. Allele origin: germline. Inheritance: Autosomal recessive inheritance. Affected: yes.

NM_000234.3(LIG1):c.2406T>C (p.Asp802=)

Gene: LIG1 (DNA ligase 1; minus strand). Cytogenetic location: 19q13.33.
Variant type: single nucleotide variant.
Coding change: c.2406T>C on transcript NM_000234.3 (MANE Select); coding-DNA position 2406, T replaced by C.
Protein change: p.Asp802=; no amino-acid change (aspartic acid 802 retained).
Molecular consequence: synonymous variant. On other transcripts: non-coding transcript variant (6).
Genome position (GRCh38, 1-based): chr19:48,119,170, A>G on the plus strand (T>C on the coding strand, the complement: LIG1 is on the minus strand). VCF-style: chr19-48119170-A-G. GRCh37 (hg19) VCF-style: chr19-48622427-A-G.
Other names: p.Asp802=; c.2313T>C, p.Asp771= (NM_001289063.2); c.2202T>C, p.Asp734= (NM_001289064.2); c.2403T>C, p.Asp801= (NM_001320970.2); c.2316T>C, p.Asp772= (NM_001320971.2).
Identifiers: ClinVar variation 403034 (VCV000403034.16), dbSNP rs20581, ClinGen allele CA9546423.